The following is an entry in ClinVar:

NM_001105206.3(LAMA4):c.423-10C>T

Gene: LAMA4 (laminin subunit alpha 4; minus strand). Cytogenetic location: 6q21.
Variant type: single nucleotide variant.
Coding change: c.423-10C>T on transcript NM_001105206.3 (MANE Select); 10 bases into the intron before coding-DNA position 423, C replaced by T.
Molecular consequence: intron variant.
Genome position (GRCh38, 1-based): chr6:112,201,698, G>A on the plus strand (C>T on the coding strand, the complement: LAMA4 is on the minus strand). VCF-style: chr6-112201698-G-A. GRCh37 (hg19) VCF-style: chr6-112522899-G-A.
Other names: c.423-10C>T (NM_002290.5, NM_001105207.3, NM_001105206.2).
Identifiers: ClinVar variation 44384 (VCV000044384.31), dbSNP rs75058449, ClinGen allele CA282383.

ClinVar aggregate classification (germline): Benign. Review status: criteria provided, multiple submitters, no conflicts (2 of 4 stars). 10 submissions from 10 submitters: Benign (6). 4 of the submissions do not count toward it. Last evaluated 2026-02-03.

Conditions:
Dilated cardiomyopathy 1JJ (CMD1JJ). Identifiers: Orphanet 154, MedGen C3808935, MONDO:0014095, OMIM 615235.
Cardiomyopathy (CMYO). Also called: Cardiomyopathies. Identifiers: Orphanet 167848, MedGen C0878544, MONDO:0004994, HP:0001638. Inheritance: Various modes of inheritance.

Allele frequency attached by ClinVar (database versions not stated): gnomAD 0.01596 and 0.01484; TOPMed 0.01680; ESP Exome Variant Server 0.01868; gnomAD exomes 0.00368; ExAC 0.00461; 1000 Genomes Project 0.01538; 1000 Genomes Project 30x 0.01577.
gnomAD v4.1: 4,365 of 1,611,470 alleles (0.27%); highest among the groups gnomAD compares: African/African-American, 5.4%; 117 homozygotes.

Submissions (10):

Labcorp Genetics (formerly Invitae), Labcorp
Classification: Benign for Dilated cardiomyopathy 1JJ. Last evaluated: 2026-02-03. Review status: criteria provided, single submitter. Criteria: Invitae Variant Classification Sherloc (09022015). Collection method: clinical testing. Allele origin: germline.

ARUP Laboratories, Molecular Genetics and Genomics, ARUP Laboratories
Classification: Benign for Dilated cardiomyopathy 1JJ. Last evaluated: 2023-10-16. Review status: criteria provided, single submitter. Criteria: ARUP Molecular Germline Variant Investigation Process 2024. Collection method: clinical testing. Allele origin: germline.

Women's Health and Genetics/Laboratory Corporation of America, LabCorp
Classification: Benign. Last evaluated: 2023-04-17. Review status: criteria provided, single submitter. Criteria: LabCorp Variant Classification Summary - May 2015. Collection method: clinical testing. Allele origin: germline.

CHEO Genetics Diagnostic Laboratory, Children's Hospital of Eastern Ontario
Classification: Benign for Cardiomyopathy. Last evaluated: 2016-04-07. Review status: criteria provided, single submitter. Criteria: ACMG Guidelines, 2015. Collection method: clinical testing. Allele origin: germline. Study: Canadian Open Genetics Repository.

GeneDx
Classification: Benign. Last evaluated: 2014-03-19. Review status: criteria provided, single submitter. Criteria: GeneDx Variant Classification (06012015). Collection method: clinical testing. Allele origin: germline. Affected: yes.
Comment: This variant is considered likely benign or benign based on one or more of the following criteria: it is a conservative change, it occurs at a poorly conserved position in the protein, it is predicted to be benign by multiple in silico algorithms, and/or has population frequency not consistent with disease.

Laboratory for Molecular Medicine, Mass General Brigham Personalized Medicine
Classification: Benign. Last evaluated: 2012-05-10. Review status: criteria provided, single submitter. Criteria: LMM Criteria. Collection method: clinical testing. Allele origin: germline. Observed: 23 variant alleles.
Comment: 423-10 in intron 4 of LAMA4: This variant is not expected to have clinical signi ficance because it has been identified in 5.5% (205/3736) of African American ch romosomes from a broad population by the NHLBI Exome Sequencing Project (dbSNP rs75058449)

Clinical Genetics DNA and cytogenetics Diagnostics Lab, Erasmus MC, Erasmus Medical Center
Classification: Benign. Review status: no assertion criteria provided. Collection method: clinical testing. Allele origin: germline. Affected: yes. Study: VKGL Data-share Consensus. Not counted in ClinVar's aggregate classification.

Clinical Genetics, Academic Medical Center
Classification: Benign. Review status: no assertion criteria provided. Collection method: clinical testing. Allele origin: germline. Affected: yes. Study: VKGL Data-share Consensus. Not counted in ClinVar's aggregate classification.

Genome Diagnostics Laboratory, University Medical Center Utrecht
Classification: Benign. Review status: no assertion criteria provided. Collection method: clinical testing. Allele origin: germline. Affected: yes. Study: VKGL Data-share Consensus. Not counted in ClinVar's aggregate classification.

Joint Genome Diagnostic Labs from Nijmegen and Maastricht, Radboudumc and MUMC+
Classification: Benign. Review status: no assertion criteria provided. Collection method: clinical testing. Allele origin: germline. Affected: yes. Study: VKGL Data-share Consensus. Not counted in ClinVar's aggregate classification.